The following is an entry in ClinVar:

ClinVar aggregate classification (germline): Uncertain significance (1 of 4 stars; one submission).

Conditions:
Hyperornithinemia-hyperammonemia-homocitrullinuria syndrome (HHHS). Also called: Ornithine translocase deficiency; HHH SYNDROME. Identifiers: Orphanet 415, MedGen C0268540, MONDO:0009393, OMIM 238970.

gnomAD v4.1: 6 of 1,614,202 alleles (0.00037%); highest among the groups gnomAD compares: Admixed American, 0.0017%; no homozygotes.

Submission:

Labcorp Genetics (formerly Invitae), Labcorp
Classification: Uncertain significance for Hyperornithinemia-hyperammonemia-homocitrullinuria syndrome. Last evaluated: 2022-03-30. Review status: criteria provided, single submitter. Criteria: Invitae Variant Classification Sherloc (09022015). Collection method: clinical testing. Allele origin: germline.
Comment: This sequence change replaces lysine, which is basic and polar, with methionine, which is neutral and non-polar, at codon 148 of the SLC25A15 protein (p.Lys148Met). This variant is present in population databases (no rsID available, gnomAD 0.0009%). This variant has not been reported in the literature in individuals affected with SLC25A15-related conditions. Algorithms developed to predict the effect of missense changes on protein structure and function (SIFT, PolyPhen-2, Align-GVGD) all suggest that this variant is likely to be tolerated. In summary, the available evidence is currently insufficient to determine the role of this variant in disease. Therefore, it has been classified as a Variant of Uncertain Significance.

NM_014252.4(SLC25A15):c.443A>T (p.Lys148Met)

Gene: SLC25A15 (solute carrier family 25 member 15; plus strand). Cytogenetic location: 13q14.11.
Variant type: single nucleotide variant.
Coding change: c.443A>T on transcript NM_014252.4 (MANE Select); coding-DNA position 443, A replaced by T.
Protein change: p.Lys148Met; replaces lysine 148 with methionine.
Molecular consequence: missense variant.
Genome position (GRCh38, 1-based): chr13:40,805,246, A>T. VCF-style: chr13-40805246-A-T. GRCh37 (hg19) VCF-style: chr13-41379382-A-T.
Other names: short protein forms K148M.
Identifiers: ClinVar variation 2162839 (VCV002162839.1), dbSNP rs1187791348, ClinGen allele CA387917959.